The following is an entry in ClinVar:

NM_001019.5(RPS15A):c.14A>G (p.Asn5Ser)

Gene: RPS15A (ribosomal protein S15a; minus strand). Cytogenetic location: 16p12.3.
Variant type: single nucleotide variant.
Coding change: c.14A>G on transcript NM_001019.5 (MANE Select); coding-DNA position 14, A replaced by G.
Protein change: p.Asn5Ser; replaces asparagine 5 with serine.
Molecular consequence: missense variant.
Genome position (GRCh38, 1-based): chr16:18,789,100, T>C on the plus strand (A>G on the coding strand, the complement: RPS15A is on the minus strand). VCF-style: chr16-18789100-T-C. GRCh37 (hg19) VCF-style: chr16-18800422-T-C.
Other names: c.14A>G, p.Asn5Ser (NM_001030009.2); short protein forms N5S.
Identifiers: ClinVar variation 2127841 (VCV002127841.4), dbSNP rs2506635047, ClinGen allele CA394904270.

ClinVar aggregate classification (germline): Uncertain significance (1 of 4 stars; one submission).

Submission:

Labcorp Genetics (formerly Invitae), Labcorp
Classification: Uncertain significance. Last evaluated: 2022-05-13. Review status: criteria provided, single submitter. Criteria: Invitae Variant Classification Sherloc (09022015). Collection method: clinical testing. Allele origin: germline.
Comment: This sequence change replaces asparagine, which is neutral and polar, with serine, which is neutral and polar, at codon 5 of the RPS15A protein (p.Asn5Ser). In summary, the available evidence is currently insufficient to determine the role of this variant in disease. Therefore, it has been classified as a Variant of Uncertain Significance. Algorithms developed to predict the effect of missense changes on protein structure and function (SIFT, PolyPhen-2, Align-GVGD) all suggest that this variant is likely to be tolerated. This variant has not been reported in the literature in individuals affected with RPS15A-related conditions. This variant is not present in population databases (gnomAD no frequency).